The following is an entry in ClinVar:

ClinVar aggregate classification (germline): Uncertain significance (1 of 4 stars; one submission).

Submission:

Labcorp Genetics (formerly Invitae), Labcorp
Classification: Uncertain significance. Last evaluated: 2025-08-26. Review status: criteria provided, single submitter. Criteria: Invitae Variant Classification Sherloc (09022015). Collection method: clinical testing. Allele origin: germline.
Comment: This sequence change replaces threonine, which is neutral and polar, with serine, which is neutral and polar, at codon 361 of the TUBA8 protein (p.Thr361Ser). This variant is not present in population databases (gnomAD no frequency). This variant has not been reported in the literature in individuals affected with TUBA8-related conditions. ClinVar contains an entry for this variant (Variation ID: 3678443). Invitae Evidence Modeling of protein sequence and biophysical properties (such as structural, functional, and spatial information, amino acid conservation, physicochemical variation, residue mobility, and thermodynamic stability) indicates that this missense variant is not expected to disrupt TUBA8 protein function with a negative predictive value of 80%. In summary, the available evidence is currently insufficient to determine the role of this variant in disease. Therefore, it has been classified as a Variant of Uncertain Significance.

NM_018943.3(TUBA8):c.1081A>T (p.Thr361Ser)

Gene: TUBA8 (tubulin alpha 8; plus strand). Cytogenetic location: 22q11.21.
Variant type: single nucleotide variant.
Coding change: c.1081A>T on transcript NM_018943.3 (MANE Select); coding-DNA position 1081, A replaced by T.
Protein change: p.Thr361Ser; replaces threonine 361 with serine.
Molecular consequence: missense variant.
Genome position (GRCh38, 1-based): chr22:18,130,867, A>T. VCF-style: chr22-18130867-A-T. GRCh37 (hg19) VCF-style: chr22-18613634-A-T.
Other names: c.883A>T, p.Thr295Ser (NM_001193414.2); short protein forms T295S, T361S.
Identifiers: ClinVar variation 3678443 (VCV003678443.2).